The following is an entry in ClinVar:

ClinVar aggregate classification (germline): Benign/Likely benign. Review status: criteria provided, multiple submitters, no conflicts (2 of 4 stars). 4 submissions from 4 submitters: Benign (1); Likely benign (3). Last evaluated 2025-02-01.

Conditions:
Inborn genetic diseases. Identifiers: MedGen C0950123, MeSH D030342.

Allele frequency attached by ClinVar (database versions not stated): gnomAD exomes 0.00029; gnomAD 0.00288 and 0.00314.
gnomAD v4.1: 570 of 981,866 alleles (0.058%); highest among the groups gnomAD compares: African/African-American, 0.94%; 3 homozygotes.

Submissions (4):

CeGaT Center for Human Genetics Tuebingen
Classification: Likely benign. Last evaluated: 2025-02-01. Review status: criteria provided, single submitter. Criteria: CeGaT Center For Human Genetics Tuebingen Variant Classification Criteria Version 2. Collection method: clinical testing. Allele origin: germline. Affected: yes. Observed: 1 variant allele.
Comment: CTNND2: BS1

Blueprint Genetics
Classification: Likely benign. Last evaluated: 2023-12-29. Review status: criteria provided, single submitter. Criteria: ACMG Guidelines, 2015. Collection method: clinical testing. Allele origin: germline.

Ambry Genetics
Classification: Likely benign for Inborn genetic diseases. Last evaluated: 2021-06-03. Review status: criteria provided, single submitter. Criteria: Ambry Variant Classification Scheme 2023. Collection method: clinical testing. Allele origin: germline.

GeneDx
Classification: Benign. Last evaluated: 2019-12-31. Review status: criteria provided, single submitter. Criteria: GeneDx Variant Classification Process June 2021. Collection method: clinical testing. Allele origin: germline. Affected: yes.
Comment: In silico analysis, which includes protein predictors and evolutionary conservation, supports that this variant does not alter protein structure/function; Has not been previously published as pathogenic or benign to our knowledge

NM_001332.4(CTNND2):c.751G>A (p.Ala251Thr)

Gene: CTNND2 (catenin delta 2; minus strand). Cytogenetic location: 5p15.2.
Variant type: single nucleotide variant.
Coding change: c.751G>A on transcript NM_001332.4 (MANE Select); coding-DNA position 751, G replaced by A.
Protein change: p.Ala251Thr; replaces alanine 251 with threonine.
Molecular consequence: missense variant. On other transcripts: intron variant (3).
Genome position (GRCh38, 1-based): chr5:11,385,091, C>T on the plus strand (G>A on the coding strand, the complement: CTNND2 is on the minus strand). VCF-style: chr5-11385091-C-T. GRCh37 (hg19) VCF-style: chr5-11385203-C-T.
Other names: c.478G>A, p.Ala160Thr (NM_001288715.1); c.-123+11940G>A (NM_001288717.2); c.167-20201G>A (NM_001364128.2, NM_001288716.1); short protein forms A160T, A251T.
Identifiers: ClinVar variation 1226467 (VCV001226467.20), dbSNP rs750989092, ClinGen allele CA3201027.